The following is an entry in ClinVar:

NM_020911.2(PLXNA4):c.595A>G (p.Ile199Val)

Gene: PLXNA4 (plexin A4; minus strand). Cytogenetic location: 7q32.3.
Variant type: single nucleotide variant.
Coding change: c.595A>G on transcript NM_020911.2 (MANE Select); coding-DNA position 595, A replaced by G.
Protein change: p.Ile199Val; replaces isoleucine 199 with valine.
Molecular consequence: missense variant.
Genome position (GRCh38, 1-based): chr7:132,508,099, T>C on the plus strand (A>G on the coding strand, the complement: PLXNA4 is on the minus strand). VCF-style: chr7-132508099-T-C. GRCh37 (hg19) VCF-style: chr7-132192858-T-C.
Other names: c.595A>G, p.Ile199Val (NM_001105543.2, NM_001393897.1, NM_181775.4); short protein forms I199V.
Identifiers: ClinVar variation 3348124 (VCV003348124.1).

ClinVar aggregate classification (germline): Uncertain significance (0 of 4 stars; one submission).

Conditions:
PLXNA4-related disorder. Also called: PLXNA4-related condition.

gnomAD v4.1: 8 of 1,614,150 alleles (0.0005%); highest among the groups gnomAD compares: Non-Finnish European, 0.00068%; no homozygotes.

Submission:

PreventionGenetics, part of Exact Sciences
Classification: Uncertain significance for PLXNA4-related condition. Last evaluated: 2024-05-23. Review status: no assertion criteria provided. Collection method: clinical testing. Allele origin: germline.
Comment: The PLXNA4 c.595A>G variant is predicted to result in the amino acid substitution p.Ile199Val. To our knowledge, this variant has not been reported in the literature or in a large population database, indicating this variant is rare. At this time, the clinical significance of this variant is uncertain due to the absence of conclusive functional and genetic evidence.